The following is an entry in ClinVar:

ClinVar aggregate classification (germline): Conflicting classifications of pathogenicity. Review status: criteria provided, conflicting classifications (1 of 4 stars). 2 submissions from 2 submitters: Likely pathogenic (1); Uncertain significance (1). Last evaluated 2022-08-23.

Conditions:
Developmental and epileptic encephalopathy, 46 (DEE46). Also called: GRIN2D-Related Developmental and Epileptic Encephalopathy; Epileptic encephalopathy, early infantile, 46. Identifiers: MedGen C4310687, MONDO:0014947, OMIM 617162.

Submissions (2):

Labcorp Genetics (formerly Invitae), Labcorp
Classification: Uncertain significance. Last evaluated: 2022-08-23. Review status: criteria provided, single submitter. Criteria: Invitae Variant Classification Sherloc (09022015). Collection method: clinical testing. Allele origin: germline.
Comment: This sequence change replaces methionine, which is neutral and non-polar, with valine, which is neutral and non-polar, at codon 845 of the GRIN2D protein (p.Met845Val). This variant is not present in population databases (gnomAD no frequency). In summary, the available evidence is currently insufficient to determine the role of this variant in disease. Therefore, it has been classified as a Variant of Uncertain Significance. Algorithms developed to predict the effect of missense changes on protein structure and function are either unavailable or do not agree on the potential impact of this missense change (SIFT: "Tolerated"; PolyPhen-2: "Possibly Damaging"; Align-GVGD: "Class C0"). ClinVar contains an entry for this variant (Variation ID: 1325740). This missense change has been observed in individual(s) with clinical features of GRIN2D-related conditions (Invitae).

Institute of Human Genetics, University of Leipzig Medical Center
Classification: Likely pathogenic for Developmental and epileptic encephalopathy, 46. Last evaluated: 2020-10-14. Review status: criteria provided, single submitter. Criteria: ACMG Guidelines, 2015. Collection method: research. Allele origin: de novo. Affected: yes.

Literature cited by the submitters: PubMed 33057194 (cited by Institute of Human Genetics, University of Leipzig Medical Center).

NM_000836.4(GRIN2D):c.2533A>G (p.Met845Val)

Gene: GRIN2D (glutamate ionotropic receptor NMDA type subunit 2D; plus strand). Cytogenetic location: 19q13.33.
Variant type: single nucleotide variant.
Coding change: c.2533A>G on transcript NM_000836.4 (MANE Select); coding-DNA position 2533, A replaced by G.
Protein change: p.Met845Val; replaces methionine 845 with valine.
Molecular consequence: missense variant.
Genome position (GRCh38, 1-based): chr19:48,442,242, A>G. VCF-style: chr19-48442242-A-G. GRCh37 (hg19) VCF-style: chr19-48945499-A-G.
Other names: short protein forms M845V.
Identifiers: ClinVar variation 1325740 (VCV001325740.7), dbSNP rs2147475435, ClinGen allele CA406670227.